The following is an entry in ClinVar:

NM_022065.5(THADA):c.2011C>G (p.Leu671Val)

Gene: THADA (THADA armadillo repeat containing; minus strand). Cytogenetic location: 2p21.
Variant type: single nucleotide variant.
Coding change: c.2011C>G on transcript NM_022065.5 (MANE Select); coding-DNA position 2011, C replaced by G.
Protein change: p.Leu671Val; replaces leucine 671 with valine.
Molecular consequence: missense variant. On other transcripts: non-coding transcript variant (2).
Genome position (GRCh38, 1-based): chr2:43,571,760, G>C on the plus strand (C>G on the coding strand, the complement: THADA is on the minus strand). VCF-style: chr2-43571760-G-C. GRCh37 (hg19) VCF-style: chr2-43798899-G-C.
Other names: c.2011C>G, p.Leu671Val (NM_001083953.2, NM_001271643.2, NM_001271644.2 and 2 more transcripts); c.1891C>G, p.Leu631Val (NM_001345924.2); c.1141C>G, p.Leu381Val (NM_198554.1); short protein forms L381V, L631V, L671V.
Identifiers: ClinVar variation 3033118 (VCV003033118.2), dbSNP rs190709877, ClinGen allele CA1633149.

ClinVar aggregate classification (germline): Likely benign (0 of 4 stars; one submission).

Conditions:
THADA-related disorder. Also called: THADA-related condition.

Allele frequency attached by ClinVar (database versions not stated): gnomAD exomes 0.00020; 1000 Genomes Project 30x 0.00031; ExAC 0.00031; 1000 Genomes Project 0.00040; ESP Exome Variant Server 0.00050; TOPMed 0.00089; gnomAD 0.00095.
gnomAD v4.1: 454 of 1,613,914 alleles (0.028%); highest among the groups gnomAD compares: Middle Eastern, 0.36%; 1 homozygote.

Submission:

PreventionGenetics, part of Exact Sciences
Classification: Likely benign for THADA-related condition. Last evaluated: 2022-08-29. Review status: no assertion criteria provided. Collection method: clinical testing. Allele origin: germline.
Comment: This variant is classified as likely benign based on ACMG/AMP sequence variant interpretation guidelines (Richards et al. 2015 PMID: 25741868, with internal and published modifications).